The following is an entry in ClinVar:

NM_206933.4(USH2A):c.13866G>A (p.Trp4622Ter)

Gene: USH2A (usherin; minus strand). Cytogenetic location: 1q41.
Variant type: single nucleotide variant.
Coding change: c.13866G>A on transcript NM_206933.4 (MANE Select); coding-DNA position 13866, G replaced by A.
Protein change: p.Trp4622Ter; replaces tryptophan 4622 with a stop codon.
Molecular consequence: nonsense.
Genome position (GRCh38, 1-based): chr1:215,671,239, C>T on the plus strand (G>A on the coding strand, the complement: USH2A is on the minus strand). VCF-style: chr1-215671239-C-T. GRCh37 (hg19) VCF-style: chr1-215844581-C-T.
Other names: short protein forms W4622*.
Identifiers: ClinVar variation 2735460 (VCV002735460.3), dbSNP rs1253596843, ClinGen allele CA344841748.

ClinVar aggregate classification (germline): Pathogenic (1 of 4 stars; one submission).

Allele frequency attached by ClinVar (database versions not stated): gnomAD exomes below 0.00001.
gnomAD v4.1: 1 of 1,614,080 alleles (0.000062%); highest among the groups gnomAD compares: Admixed American, 0.0017%; no homozygotes.

Submission:

Labcorp Genetics (formerly Invitae), Labcorp
Classification: Pathogenic. Last evaluated: 2023-07-03. Review status: criteria provided, single submitter. Criteria: Invitae Variant Classification Sherloc (09022015). Collection method: clinical testing. Allele origin: germline.
Comment: For these reasons, this variant has been classified as Pathogenic. This variant has not been reported in the literature in individuals affected with USH2A-related conditions. This variant is present in population databases (no rsID available, gnomAD 0.003%). This sequence change creates a premature translational stop signal (p.Trp4622*) in the USH2A gene. It is expected to result in an absent or disrupted protein product. Loss-of-function variants in USH2A are known to be pathogenic (PMID: 10729113, 10909849, 20507924, 25649381).

Literature cited by the submitters: PubMed 10729113; PubMed 10909849; PubMed 20507924; PubMed 25649381.